The following is an entry in ClinVar:

ClinVar aggregate classification (germline): Likely pathogenic (1 of 4 stars; one submission).

Conditions:
Leukodystrophy, hypomyelinating, 7, with or without oligodontia and/or hypogonadotropic hypogonadism (HLD7). Also called: LEUKOENCEPHALOPATHY, HYPOMYELINATING, WITH ATAXIA AND DELAYED DENTITION; ATAXIA, DELAYED DENTITION, AND HYPOMYELINATION; LEUKODYSTROPHY, HYPOMYELINATING, 7, WITH OLIGODONTIA; LEUKODYSTROPHY, HYPOMYELINATING, 7, WITH OLIGODONTIA AND HYPOGONADOTROPIC HYPOGONADISM; LEUKODYSTROPHY, HYPOMYELINATING, 7, WITHOUT OLIGODONTIA OR HYPOGONADOTROPIC HYPOGONADISM; Ataxia, Delayed Dentition and Hypomyelination (ADDH). Identifiers: Orphanet 137639, Orphanet 447893, Orphanet 447896, Orphanet 77295, Orphanet 88637, MedGen CN034185, MONDO:0011897, OMIM 607694.

gnomAD v4.1: 1 of 1,613,970 alleles (0.000062%); highest among the groups gnomAD compares: Admixed American, 0.0017%; no homozygotes.

Submission:

3billion
Classification: Likely pathogenic for Leukodystrophy, hypomyelinating, 7, with or without oligodontia and/or hypogonadotropic hypogonadism. Last evaluated: 2023-10-17. Review status: criteria provided, single submitter. Criteria: ACMG Guidelines, 2015. Collection method: clinical testing. Allele origin: germline. Affected: yes.
Comment: The variant is not observed in the gnomAD v2.1.1 dataset. Predicted Consequence/Location: Stop-gained (nonsense): predicted to result in a loss or disruption of normal protein function through nonsense-mediated decay (NMD) or protein truncation. Multiple pathogenic variants are reported downstream of the variant. Therefore, this variant is classified as Likely pathogenic according to the recommendation of ACMG/AMP guideline.

NM_007055.4(POLR3A):c.265G>T (p.Glu89Ter)

Genes: POLR3A (RNA polymerase III subunit A; minus strand), LOC126860971 (CDK7 strongly-dependent group 2 enhancer GRCh37_chr10:79784551-79785750; plus strand). Cytogenetic location: 10q22.3.
Variant type: single nucleotide variant.
Coding change: c.265G>T on transcript NM_007055.4 (MANE Select); coding-DNA position 265, G replaced by T.
Protein change: p.Glu89Ter; replaces glutamic acid 89 with a stop codon.
Molecular consequence: nonsense.
Genome position (GRCh38, 1-based): chr10:78,025,675, C>A on the plus strand (G>T on the coding strand, the complement: POLR3A is on the minus strand). VCF-style: chr10-78025675-C-A. GRCh37 (hg19) VCF-style: chr10-79785433-C-A.
Other names: short protein forms E89*.
Identifiers: ClinVar variation 3776107 (VCV003776107.1).
Genomic context (GRCh38, chr10:78,025,675, plus strand): 5'-TGCTTACCTGTAAGATGCCTATGACTGCTCTGAAGTACCCTACATGAAAACACGGCAACT[C>A]CAGGTCGATATACCCATAGTGGCCTAGACAGTCAGCCAAGTTTTTCCCACAGGTTTCACA-3'